The following is an entry in ClinVar:

NM_004586.3(RPS6KA3):c.1762G>A (p.Glu588Lys)

Gene: RPS6KA3 (ribosomal protein S6 kinase A3; minus strand). Cytogenetic location: Xp22.12.
Variant type: single nucleotide variant.
Coding change: c.1762G>A on transcript NM_004586.3 (MANE Select); coding-DNA position 1762, G replaced by A.
Protein change: p.Glu588Lys; replaces glutamic acid 588 with lysine.
Molecular consequence: missense variant.
Genome position (GRCh38, 1-based): chrX:20,164,901, C>T on the plus strand (G>A on the coding strand, the complement: RPS6KA3 is on the minus strand). VCF-style: chrX-20164901-C-T. GRCh37 (hg19) VCF-style: chrX-20183019-C-T.
Other names: short protein forms E588K.
Identifiers: ClinVar variation 2922319 (VCV002922319.3), dbSNP rs1555927532, ClinGen allele CA412513997.

ClinVar aggregate classification (germline): Uncertain significance (1 of 4 stars; one submission).

Conditions:
Intellectual developmental disorder, X-linked 19. Also called: Intellectual disability, X-linked 19. Identifiers: Orphanet 777, MedGen C0796225, MONDO:0010447, OMIM 300844.
Coffin-Lowry syndrome (CLS). Also called: COFFIN-LOWRY SYNDROME, MILD; Mental retardation with osteocartilaginous abnormalities. Identifiers: Orphanet 192, MedGen C0265252, MONDO:0010561, OMIM 303600.

Submission:

Labcorp Genetics (formerly Invitae), Labcorp
Classification: Uncertain significance for Coffin-Lowry syndrome; Intellectual developmental disorder, X-linked 19. Last evaluated: 2024-01-29. Review status: criteria provided, single submitter. Criteria: Invitae Variant Classification Sherloc (09022015). Collection method: clinical testing. Allele origin: germline.
Comment: This sequence change replaces glutamic acid, which is acidic and polar, with lysine, which is basic and polar, at codon 588 of the RPS6KA3 protein (p.Glu588Lys). This variant is not present in population databases (gnomAD no frequency). This variant has not been reported in the literature in individuals affected with RPS6KA3-related conditions. An algorithm developed to predict the effect of missense changes on protein structure and function (PolyPhen-2) suggests that this variant is likely to be disruptive. In summary, the available evidence is currently insufficient to determine the role of this variant in disease. Therefore, it has been classified as a Variant of Uncertain Significance.